The following is an entry in ClinVar:

ClinVar aggregate classification (germline): Uncertain significance (1 of 4 stars; one submission).

Conditions:
Brown-Vialetto-van Laere syndrome 1. Also called: BROWN-VIALETTO-VAN LAERE SYNDROME 1, MILD; BULBAR PALSY, PROGRESSIVE, WITH SENSORINEURAL DEAFNESS; PONTOBULBAR PALSY WITH DEAFNESS. Identifiers: Orphanet 572550, Orphanet 97229, MedGen C0796274, MONDO:0024537, OMIM 211530.

Submission:

Labcorp Genetics (formerly Invitae), Labcorp
Classification: Uncertain significance for Brown-Vialetto-van Laere syndrome 1. Last evaluated: 2018-09-27. Review status: criteria provided, single submitter. Criteria: Invitae Variant Classification Sherloc (09022015). Collection method: clinical testing. Allele origin: germline.
Comment: In summary, the available evidence is currently insufficient to determine the role of this variant in disease. Therefore, it has been classified as a Variant of Uncertain Significance. Algorithms developed to predict the effect of sequence changes on RNA splicing suggest that this variant may create or strengthen a splice site, but this prediction has not been confirmed by published transcriptional studies. Experimental studies and prediction algorithms are not available for this variant, and the functional significance of the affected amino acid(s) is currently unknown. This variant has not been reported in the literature in individuals with SLC52A3-related disease. The frequency data for this variant in the population databases is considered unreliable, as metrics indicate insufficient coverage at this position in the ExAC database. This variant, c.1233delinsCCTACGCTTCCCTCCCGGCCCCGCAGGTGGCCTCGTGGGTGCTTTTCAGCGGCTGCCTCAG , results in the insertion of 20 amino acid(s) to the SLC52A3 protein (p.Tyr412_Val413insAlaSerLeuProAlaProGlnValAlaSerTrpValLeuPheSerGlyCysLeuSerTyr), but otherwise preserves the integrity of the reading frame.

NM_033409.4(SLC52A3):c.1233delinsCCTACGCTTCCCTCCCGGCCCCGCAGGTGGCCTCGTGGGTGCTTTTCAGCGGCTGCCTCAG (p.Ser411_Tyr412insLeuArgPheProProGlyProAlaGlyGlyLeuValGlyAlaPheGlnArgLeuProGln)

Gene: SLC52A3 (solute carrier family 52 member 3; minus strand). Cytogenetic location: 20p13.
Variant type: Indel.
Coding change: c.1233delinsCCTACGCTTCCCTCCCGGCCCCGCAGGTGGCCTCGTGGGTGCTTTTCAGCGGCTGCCTCAG on transcript NM_033409.4 (MANE Select); coding-DNA position 1233, the reference bases replaced by an inserted sequence.
Protein change: p.Ser411_Tyr412insLeuArgPheProProGlyProAlaGlyGlyLeuValGlyAlaPheGlnArgLeuProGln.
Molecular consequence: inframe insertion.
Genome position (GRCh38, 1-based): chr20:761,203, one base replaced. GRCh37 (hg19), VCF-style position (the base before the change): chr20:741,847.
Other names: c.1233delinsCCTACGCTTCCCTCCCGGCCCCGCAGGTGGCCTCGTGGGTGCTTTTCAGCGGCTGCCTCAG, p.Ser411_Tyr412insLeuArgPheProProGlyProAlaGlyGlyLeuValGlyAlaPheGlnArgLeuProGln (NM_001370085.1, NM_001370086.1).
Identifiers: ClinVar variation 2872877 (VCV002872877.1), dbSNP rs2514843704, ClinGen allele CA2739277023.